The following is an entry in ClinVar:

NM_005359.6(SMAD4):c.922C>T (p.Leu308Phe)

Gene: SMAD4 (SMAD family member 4; plus strand). Cytogenetic location: 18q21.2.
Variant type: single nucleotide variant.
Coding change: c.922C>T on transcript NM_005359.6 (MANE Select); coding-DNA position 922, C replaced by T.
Protein change: p.Leu308Phe; replaces leucine 308 with phenylalanine.
Molecular consequence: missense variant. On other transcripts: non-coding transcript variant (2).
Genome position (GRCh38, 1-based): chr18:51,059,883, C>T. VCF-style: chr18-51059883-C-T. GRCh37 (hg19) VCF-style: chr18-48586253-C-T.
Other names: c.922C>T, p.Leu308Phe (NM_001407041.1, NM_001407042.1, NM_001407043.1); short protein forms L308F.
Identifiers: ClinVar variation 4170050 (VCV004170050.1).

ClinVar aggregate classification (germline): Uncertain significance (1 of 4 stars; one submission).

Conditions:
Familial thoracic aortic aneurysm and aortic dissection (TAAD). Also called: Thoracic aortic aneurysms and dissections. Identifiers: Orphanet 91387, MedGen C4707243, MONDO:0019625.
Hereditary cancer-predisposing syndrome. Also called: Neoplastic Syndromes, Hereditary; Tumor predisposition; Hereditary Cancer Syndrome; Hereditary neoplastic syndrome. Identifiers: Orphanet 140162, MedGen C0027672, MeSH D009386, MONDO:0015356.

Submission:

Ambry Genetics
Classification: Uncertain significance for Hereditary cancer-predisposing syndrome; Familial thoracic aortic aneurysm and aortic dissection. Last evaluated: 2025-08-19. Review status: criteria provided, single submitter. Criteria: Ambry Variant Classification Scheme 2023. Collection method: clinical testing. Allele origin: germline.
Comment: The p.L308F variant (also known as c.922C>T), located in coding exon 7 of the SMAD4 gene, results from a C to T substitution at nucleotide position 922. The leucine at codon 308 is replaced by phenylalanine, an amino acid with highly similar properties. This amino acid position is conserved. In addition, the in silico prediction for this alteration is inconclusive. Based on the available evidence, the clinical significance of this variant remains unclear.